The following is an entry in ClinVar:

NM_001164508.2(NEB):c.7948del (p.Gln2650fs)

Gene: NEB (nebulin; minus strand). Cytogenetic location: 2q23.3.
Variant type: Deletion.
Coding change: c.7948del on transcript NM_001164508.2 (MANE Select); coding-DNA position 7948, one base deleted (C; older notation c.7948delC).
Protein change: p.Gln2650fs; shifts the reading frame from glutamine 2650.
Molecular consequence: frameshift variant.
Genome position (GRCh38, 1-based): chr2:151,643,826, G deleted on the plus strand (C on the coding strand, the reverse complement: NEB is on the minus strand); the first of 2 consecutive G bases (chr2:151,643,826-151,643,827); deleting either gives the same sequence. VCF-style (leftmost placement, unchanged base first): chr2-151643825-TG-T. GRCh37 (hg19) VCF-style: chr2-152500339-TG-T.
Other names: c.7948del, p.Gln2650fs (NM_001164507.2, NM_001271208.2, NM_004543.5); short protein forms Q2650fs.
Identifiers: ClinVar variation 1726578 (VCV001726578.2), dbSNP rs2552247235, ClinGen allele CA2580064019.

ClinVar aggregate classification (germline): Likely pathogenic (1 of 4 stars; one submission).

Conditions:
Nemaline myopathy 2 (NEM2). Also called: Nemaline myopathy 2, autosomal recessive. Identifiers: MedGen C1850569, MONDO:0009725, OMIM 256030.

Submission:

Myriad Genetics, Inc.
Classification: Likely pathogenic for Nemaline myopathy 2. Last evaluated: 2021-12-24. Review status: criteria provided, single submitter. Criteria: Myriad Women's Health Autosomal Recessive and X-Linked Classification Criteria (2021). Collection method: clinical testing. Allele origin: unknown.
Comment: NM_001271208.1(NEB):c.7948delC(Q2650Rfs*13) is expected to be pathogenic in the context of NEB-related nemaline myopathy. This variant is predicted to lead to an abnormal or absent protein product due to the creation of a premature termination codon in NEB, a gene where loss-of-function variants are known to be pathogenic. Please note: this variant was assessed in the context of healthy population screening.